The following is an entry in ClinVar:

NM_000038.6(APC):c.1348G>C (p.Val450Leu)

Gene: APC (APC regulator of Wnt signaling pathway; plus strand). Cytogenetic location: 5q22.2.
Variant type: single nucleotide variant.
Coding change: c.1348G>C on transcript NM_000038.6 (MANE Select); coding-DNA position 1348, G replaced by C.
Protein change: p.Val450Leu; replaces valine 450 with leucine.
Molecular consequence: missense variant.
Genome position (GRCh38, 1-based): chr5:112,821,931, G>C. VCF-style: chr5-112821931-G-C. GRCh37 (hg19) VCF-style: chr5-112157628-G-C.
Other names: c.1348G>C, p.Val450Leu (NM_001127510.3, NM_001407447.1, NM_001407448.1 and 4 more transcripts); c.1294G>C, p.Val432Leu (NM_001127511.3); c.868G>C, p.Val290Leu (NM_001354905.2); c.499G>C, p.Val167Leu (NM_001354906.2, NM_001407470.1); c.1378G>C, p.Val460Leu (NM_001407446.1, NM_001354897.2); c.1273G>C, p.Val425Leu (NM_001407451.1, NM_001354898.2); c.1264G>C, p.Val422Leu (NM_001407452.1, NM_001354899.2); c.196G>C, p.Val66Leu (NM_001407471.1, NM_001407472.1); and 5 more; short protein forms V290L, V432L, V167L, V324L, V422L, V450L, V359L, V391L.
Identifiers: ClinVar variation 1770531 (VCV001770531.4), dbSNP rs1561546045, ClinGen allele CA16024255.
Genomic context (GRCh38, chr5:112,821,931, plus strand): 5'-GGTTTATGTTGATTTTATTTTTCAGTGCCAGCTCCTGTTGAACATCAGATCTGTCCTGCT[G>C]TGTGTGTTCTAATGAAACTTTCATTTGATGAAGAGCATAGACATGCAATGAATGAACTAG-3'
Protein context (NP_000029.2, residues 440-460): APVEHQICPA[Val450Leu]CVLMKLSFDE

ClinVar aggregate classification (germline): Uncertain significance (1 of 4 stars; one submission).

Conditions:
Hereditary cancer-predisposing syndrome. Also called: Neoplastic Syndromes, Hereditary; Tumor predisposition; Hereditary Cancer Syndrome; Hereditary neoplastic syndrome. Identifiers: Orphanet 140162, MedGen C0027672, MeSH D009386, MONDO:0015356.

Submission:

Ambry Genetics
Classification: Uncertain significance for Hereditary cancer-predisposing syndrome. Last evaluated: 2026-03-24. Review status: criteria provided, single submitter. Criteria: Ambry Variant Classification Scheme 2023. Collection method: clinical testing. Allele origin: germline.
Comment: The p.V450L variant (also known as c.1348G>C), located in coding exon 10 of the APC gene, results from a G to C substitution at nucleotide position 1348. The valine at codon 450 is replaced by leucine, an amino acid with highly similar properties. This amino acid position is highly conserved in available vertebrate species. In addition, in silico predictors for this gene do not accurately predict pathogenicity. Missense alterations in APC are not a common cause of disease (Spier I et al. Genet Med. 2024 Feb;26(2):100992). Based on the available evidence, the clinical significance of this variant remains unclear.